The following is an entry in ClinVar:

ClinVar aggregate classification (germline): Conflicting classifications of pathogenicity. Review status: criteria provided, conflicting classifications (1 of 4 stars). 2 submissions from 2 submitters: Uncertain significance (1); Likely benign (1). Last evaluated 2024-05-13.

Conditions:
Kabuki syndrome. Also called: NIIKAWA-KUROKI SYNDROME; Kabuki make-up syndrome. Identifiers: Orphanet 2322, MedGen C0796004, MONDO:0016512.

Allele frequency attached by ClinVar (database versions not stated): gnomAD exomes below 0.00001; TOPMed 0.00001.
gnomAD v4.1: 1 of 1,565,790 alleles (0.000064%); highest among the groups gnomAD compares: East Asian, 0.0023%; no homozygotes.

Submissions (2):

Labcorp Genetics (formerly Invitae), Labcorp
Classification: Likely benign for Kabuki syndrome. Last evaluated: 2024-05-13. Review status: criteria provided, single submitter. Criteria: Invitae Variant Classification Sherloc (09022015). Collection method: clinical testing. Allele origin: germline.

Genetic Services Laboratory, University of Chicago
Classification: Uncertain significance. Last evaluated: 2020-06-09. Review status: criteria provided, single submitter. Criteria: ACMG Guidelines, 2015. Collection method: clinical testing. Allele origin: germline. Affected: no.
Comment: DNA sequence analysis of the KMT2D gene demonstrated a sequence change, c.7377C>T, in exon 31 which does not result in an amino acid change. This sequence change does not appear to have been previously described in patients with KMT2D-related disorder. This sequence change has been absent from the large population databases such as ExAC and gnomAD (dbSNP rs1208811629). This sequence change is not clearly predicted to have a deleterious effect on splicing based on in silico splice prediction programs. As the c.7377C>T sequence change does not result in a change in the KMT2D amino acid sequence, it is possible that this change is non-pathogenic and represents a benign sequence variant of the KMT2D gene, however functional studies have not been performed to prove this conclusively. The functional significance of this sequence change is not known at present and its contribution to this patient's disease phenotype cannot definitively be determined.

NM_003482.4(KMT2D):c.7377C>T (p.Ser2459=)

Gene: KMT2D (lysine methyltransferase 2D; minus strand). Cytogenetic location: 12q13.12.
Variant type: single nucleotide variant.
Coding change: c.7377C>T on transcript NM_003482.4 (MANE Select); coding-DNA position 7377, C replaced by T.
Protein change: p.Ser2459=; no amino-acid change (serine 2459 retained).
Molecular consequence: synonymous variant.
Genome position (GRCh38, 1-based): chr12:49,040,393, G>A on the plus strand (C>T on the coding strand, the complement: KMT2D is on the minus strand). VCF-style: chr12-49040393-G-A. GRCh37 (hg19) VCF-style: chr12-49434176-G-A.
Identifiers: ClinVar variation 1337662 (VCV001337662.7), dbSNP rs1208811629, ClinGen allele CA479711658.